The following is an entry in ClinVar:

NM_001349253.2(SCN11A):c.1108C>G (p.Arg370Gly)

Gene: SCN11A (sodium voltage-gated channel alpha subunit 11; minus strand). Cytogenetic location: 3p22.2.
Variant type: single nucleotide variant.
Coding change: c.1108C>G on transcript NM_001349253.2 (MANE Select); coding-DNA position 1108, C replaced by G.
Protein change: p.Arg370Gly; replaces arginine 370 with glycine.
Molecular consequence: missense variant.
Genome position (GRCh38, 1-based): chr3:38,909,188, G>C on the plus strand (C>G on the coding strand, the complement: SCN11A is on the minus strand). VCF-style: chr3-38909188-G-C. GRCh37 (hg19) VCF-style: chr3-38950679-G-C.
Other names: c.1108C>G, p.Arg370Gly (NM_014139.3); short protein forms R370G.
Identifiers: ClinVar variation 1971878 (VCV001971878.5), dbSNP rs368754860, ClinGen allele CA352168355.

ClinVar aggregate classification (germline): Uncertain significance (1 of 4 stars; one submission).

Conditions:
Hereditary sensory and autonomic neuropathy type 7. Also called: HSAN VII; Neuropathy, hereditary sensory and autonomic, type VII. Identifiers: Orphanet 391397, MedGen C3809882, MONDO:0014244, OMIM 615548.
Familial episodic pain syndrome with predominantly lower limb involvement. Also called: Episodic pain syndrome, familial, 3. Identifiers: Orphanet 391384, Orphanet 391392, MedGen C3809899, MONDO:0014247, OMIM 615552.

gnomAD v4.1: 2 of 1,613,778 alleles (0.00012%); highest among the groups gnomAD compares: Admixed American, 0.0017%; no homozygotes.

Submission:

Labcorp Genetics (formerly Invitae), Labcorp
Classification: Uncertain significance for Familial episodic pain syndrome with predominantly lower limb involvement; Hereditary sensory and autonomic neuropathy type 7. Last evaluated: 2021-12-21. Review status: criteria provided, single submitter. Criteria: Invitae Variant Classification Sherloc (09022015). Collection method: clinical testing. Allele origin: germline.
Comment: This sequence change replaces arginine, which is basic and polar, with glycine, which is neutral and non-polar, at codon 370 of the SCN11A protein (p.Arg370Gly). This variant is present in population databases (no rsID available, gnomAD 0.0009%). This variant has not been reported in the literature in individuals affected with SCN11A-related conditions. Algorithms developed to predict the effect of missense changes on protein structure and function are either unavailable or do not agree on the potential impact of this missense change (SIFT: "Tolerated"; PolyPhen-2: "Possibly Damaging"; Align-GVGD: "Class C15"). In summary, the available evidence is currently insufficient to determine the role of this variant in disease. Therefore, it has been classified as a Variant of Uncertain Significance.